The following is an entry in ClinVar:

ClinVar aggregate classification (germline): Benign. Review status: criteria provided, multiple submitters, no conflicts (2 of 4 stars). 2 submissions from 2 submitters: Benign (2). Last evaluated 2018-01-13.

Conditions:
Diabetes insipidus, nephrogenic, autosomal (NDI2). Also called: Nephrogenic Diabetes Insipidus, Type II; Diabetes insipidus, nephrogenic, 2, autosomal. Identifiers: Orphanet 223, MedGen C1563706, MONDO:0007451, OMIM 125800.

Allele frequency attached by ClinVar (database versions not stated): 1000 Genomes Project 30x 0.88195; 1000 Genomes Project 0.88518; TOPMed 0.90609; gnomAD 0.91375 and 0.91684; gnomAD exomes 1.00000.
gnomAD v4.1: 139,686 of 152,198 alleles (92%); highest among the groups gnomAD compares: Non-Finnish European, 100%; 65,048 homozygotes.

Submissions (2):

Illumina Laboratory Services, Illumina
Classification: Benign for Diabetes insipidus, nephrogenic, autosomal. Last evaluated: 2018-01-13. Review status: criteria provided, single submitter. Criteria: ICSL Variant Classification Criteria 13 December 2019. Collection method: clinical testing. Allele origin: germline.
Comment: This variant was observed in the ICSL laboratory as part of a predisposition screen in an ostensibly healthy population. It had not been previously curated by ICSL or reported in the Human Gene Mutation Database (HGMD: prior to June 1st, 2018), and was therefore a candidate for classification through an automated scoring system. Utilizing variant allele frequency, disease prevalence and penetrance estimates, and inheritance mode, an automated score was calculated to assess if this variant is too frequent to cause the disease. Based on the score and internal cut-off values, a variant classified as benign is not then subjected to further curation. The score for this variant resulted in a classification of benign for this disease.

Breakthrough Genomics
Classification: Benign. Review status: criteria provided, single submitter. Criteria: ACMG Guidelines, 2015. Collection method: not provided. Allele origin: germline. Inheritance: Autosomal dominant inheritance. Affected: yes.

NM_000486.6(AQP2):c.*2495A>G

Genes: AQP2 (aquaporin 2; plus strand), AQP5-AS1 (AQP5 and AQP2 antisense RNA 2; minus strand). Cytogenetic location: 12q13.12.
Variant type: single nucleotide variant.
Coding change: c.*2495A>G on transcript NM_000486.6 (MANE Select); 2495 bases downstream of the stop codon, A replaced by G.
Molecular consequence: 3 prime UTR variant.
Genome position (GRCh38, 1-based): chr12:49,958,103, A>G. VCF-style: chr12-49958103-A-G. GRCh37 (hg19) VCF-style: chr12-50351886-A-G.
Identifiers: ClinVar variation 309264 (VCV000309264.6), dbSNP rs296768, ClinGen allele CA10641636.